The following is an entry in ClinVar:

ClinVar aggregate classification (germline): Conflicting classifications of pathogenicity. Review status: criteria provided, conflicting classifications (1 of 4 stars). 2 submissions from 2 submitters: Uncertain significance (1); Benign (1). Last evaluated 2023-12-01.

Conditions:
Primary ciliary dyskinesia. Also called: Ciliary dyskinesia. Identifiers: Orphanet 244, MedGen C0008780, MONDO:0016575, HP:0012265.

Allele frequency attached by ClinVar (database versions not stated): ExAC 0.00004; gnomAD 0.00004; TOPMed 0.00004; ESP Exome Variant Server 0.00015; 1000 Genomes Project 30x 0.00031; 1000 Genomes Project 0.00040.
gnomAD v4.1: 10 of 1,613,010 alleles (0.00062%); highest among the groups gnomAD compares: African/African-American, 0.012%; no homozygotes.

Submissions (2):

Labcorp Genetics (formerly Invitae), Labcorp
Classification: Benign for Primary ciliary dyskinesia. Last evaluated: 2023-12-01. Review status: criteria provided, single submitter. Criteria: Invitae Variant Classification Sherloc (09022015). Collection method: clinical testing. Allele origin: germline.

Ambry Genetics
Classification: Uncertain significance for Primary ciliary dyskinesia. Last evaluated: 2022-01-17. Review status: criteria provided, single submitter. Criteria: Ambry Variant Classification Scheme 2023. Collection method: clinical testing. Allele origin: germline.
Comment: The p.N908H variant (also known as c.2722A>C), located in coding exon 18 of the DNAH5 gene, results from an A to C substitution at nucleotide position 2722. The asparagine at codon 908 is replaced by histidine, an amino acid with similar properties. This amino acid position is conserved. In addition, this alteration is predicted to be tolerated by in silico analysis. Since supporting evidence is limited at this time, the clinical significance of this alteration remains unclear.

NM_001369.3(DNAH5):c.2722A>C (p.Asn908His)

Genes: DNAH5 (dynein axonemal heavy chain 5; minus strand), DNAH5-AS1 (DNAH5 antisense RNA 1; plus strand). Cytogenetic location: 5p15.2.
Variant type: single nucleotide variant.
Coding change: c.2722A>C on transcript NM_001369.3 (MANE Select); coding-DNA position 2722, A replaced by C.
Protein change: p.Asn908His; replaces asparagine 908 with histidine.
Molecular consequence: missense variant.
Genome position (GRCh38, 1-based): chr5:13,885,985, T>G on the plus strand (A>C on the coding strand, the complement: DNAH5 is on the minus strand). VCF-style: chr5-13885985-T-G. GRCh37 (hg19) VCF-style: chr5-13886094-T-G.
Other names: short protein forms N908H.
Identifiers: ClinVar variation 1795206 (VCV001795206.5), dbSNP rs139235944, ClinGen allele CA3204515.